The following is an entry in ClinVar:

NM_000038.6(APC):c.2158A>T (p.Met720Leu)

Gene: APC (APC regulator of Wnt signaling pathway; plus strand). Cytogenetic location: 5q22.2.
Variant type: single nucleotide variant.
Coding change: c.2158A>T on transcript NM_000038.6 (MANE Select); coding-DNA position 2158, A replaced by T.
Protein change: p.Met720Leu; replaces methionine 720 with leucine.
Molecular consequence: missense variant.
Genome position (GRCh38, 1-based): chr5:112,837,752, A>T. VCF-style: chr5-112837752-A-T. GRCh37 (hg19) VCF-style: chr5-112173449-A-T.
Other names: c.2158A>T, p.Met720Leu (NM_001127510.3, NM_001354895.2); c.2104A>T, p.Met702Leu (NM_001127511.3); c.2212A>T, p.Met738Leu (NM_001354896.2); c.2188A>T, p.Met730Leu (NM_001354897.2); c.2083A>T, p.Met695Leu (NM_001354898.2); c.2074A>T, p.Met692Leu (NM_001354899.2); c.2035A>T, p.Met679Leu (NM_001354900.2); c.1981A>T, p.Met661Leu (NM_001354901.2); and 5 more; short protein forms M437L, M560L, M594L, M619L, M629L, M661L, M679L, M692L.
Identifiers: ClinVar variation 1331743 (VCV001331743.3), dbSNP rs869025248, ClinGen allele CA16026056.

ClinVar aggregate classification (germline): Uncertain significance (1 of 4 stars; one submission).

Conditions:
Hereditary cancer-predisposing syndrome. Also called: Tumor predisposition; Hereditary Cancer Syndrome; Neoplastic Syndromes, Hereditary; Hereditary neoplastic syndrome. Identifiers: Orphanet 140162, MedGen C0027672, MeSH D009386, MONDO:0015356.

Submission:

Color Diagnostics, LLC DBA Color Health
Classification: Uncertain significance for Hereditary cancer-predisposing syndrome. Last evaluated: 2024-03-06. Review status: criteria provided, single submitter. Criteria: ACMG Guidelines, 2015. Collection method: clinical testing. Allele origin: germline.
Comment: This missense variant replaces methionine with leucine at codon 720 of the APC protein. Computational prediction suggests that this variant may not impact protein structure and function (internally defined REVEL score threshold <= 0.5, PMID: 27666373). To our knowledge, functional studies have not been reported for this variant. This variant has not been reported in individuals affected with hereditary cancer in the literature. This variant has not been identified in the general population by the Genome Aggregation Database (gnomAD). The available evidence is insufficient to determine the role of this variant in disease conclusively. Therefore, this variant is classified as a Variant of Uncertain Significance.